The following is an entry in ClinVar:

ClinVar aggregate classification (germline): Pathogenic (1 of 4 stars; one submission).

Conditions:
Rhabdoid tumor predisposition syndrome 2 (RTPS2). Identifiers: Orphanet 231108, Orphanet 69077, MedGen C2750074, MONDO:0013224, OMIM 613325.

Submission:

Labcorp Genetics (formerly Invitae), Labcorp
Classification: Pathogenic for Rhabdoid tumor predisposition syndrome 2. Last evaluated: 2019-04-19. Review status: criteria provided, single submitter. Criteria: Invitae Variant Classification Sherloc (09022015). Collection method: clinical testing. Allele origin: germline.
Comment: This variant has not been reported in the literature in individuals with SMARCA4-related conditions. This sequence change creates a premature translational stop signal (p.Gln306*) in the SMARCA4 gene. It is expected to result in an absent or disrupted protein product. This variant is not present in population databases (ExAC no frequency). Loss-of-function variants in SMARCA4 are known to be pathogenic (PMID: 24658001, 24658002). For these reasons, this variant has been classified as Pathogenic.

Literature cited by the submitters: PubMed 24658001; PubMed 24658002.

NM_003072.5(SMARCA4):c.916C>T (p.Gln306Ter)

Gene: SMARCA4 (SWI/SNF related BAF chromatin remodeling complex subunit ATPase 4; plus strand). Cytogenetic location: 19p13.2.
Variant type: single nucleotide variant.
Coding change: c.916C>T on transcript NM_003072.5 (MANE Select); coding-DNA position 916, C replaced by T.
Protein change: p.Gln306Ter; replaces glutamine 306 with a stop codon.
Molecular consequence: nonsense. On other transcripts: non-coding transcript variant (1).
Genome position (GRCh38, 1-based): chr19:10,987,722, C>T. VCF-style: chr19-10987722-C-T. GRCh37 (hg19) VCF-style: chr19-11098398-C-T.
Other names: c.916C>T, p.Gln306Ter (NM_001128844.3, NM_001128845.2, NM_001128846.2 and 4 more transcripts); short protein forms Q306*.
Identifiers: ClinVar variation 844961 (VCV000844961.7), dbSNP rs2086182638, ClinGen allele CA404058452.
Genomic context (GRCh38, chr19:10,987,722, plus strand): 5'-CCAGGACCCATGGCGAATGCTGCTGCCCCCACGAGCACCCCTCAGAAGCTGATTCCCCCG[C>T]AGCCAACGGGCCGCCCTTCCCCCGCGCCCCCTGCCGTCCCACCCGCCGCCTCGCCCGTGA-3'